The following is an entry in ClinVar:

ClinVar aggregate classification (germline): Uncertain significance. Review status: criteria provided, multiple submitters, no conflicts (2 of 4 stars). 2 submissions from 2 submitters: Uncertain significance (2). Last evaluated 2024-11-24.

Conditions:
Inborn genetic diseases. Identifiers: MedGen C0950123, MeSH D030342.

Allele frequency attached by ClinVar (database versions not stated): ExAC 0.00001; gnomAD exomes 0.00001; gnomAD 0.00002; TOPMed 0.00002.
gnomAD v4.1: 20 of 1,613,818 alleles (0.0012%); highest among the groups gnomAD compares: Middle Eastern, 0.033%; no homozygotes.

Submissions (2):

Ambry Genetics
Classification: Uncertain significance for Inborn genetic diseases. Last evaluated: 2024-11-24. Review status: criteria provided, single submitter. Criteria: Ambry Variant Classification Scheme 2023. Collection method: clinical testing. Allele origin: germline.

Labcorp Genetics (formerly Invitae), Labcorp
Classification: Uncertain significance. Last evaluated: 2021-12-24. Review status: criteria provided, single submitter. Criteria: Invitae Variant Classification Sherloc (09022015). Collection method: clinical testing. Allele origin: germline.
Comment: This sequence change replaces isoleucine, which is neutral and non-polar, with valine, which is neutral and non-polar, at codon 225 of the SLC38A8 protein (p.Ile225Val). This variant is present in population databases (rs745642623, gnomAD 0.007%). This variant has not been reported in the literature in individuals affected with SLC38A8-related conditions. Algorithms developed to predict the effect of missense changes on protein structure and function are either unavailable or do not agree on the potential impact of this missense change (SIFT: "Tolerated"; PolyPhen-2: "Probably Damaging"; Align-GVGD: "Class C0"). In summary, the available evidence is currently insufficient to determine the role of this variant in disease. Therefore, it has been classified as a Variant of Uncertain Significance.

NM_001080442.3(SLC38A8):c.673A>G (p.Ile225Val)

Gene: SLC38A8 (solute carrier family 38 member 8; minus strand). Cytogenetic location: 16q23.3.
Variant type: single nucleotide variant.
Coding change: c.673A>G on transcript NM_001080442.3 (MANE Select); coding-DNA position 673, A replaced by G.
Protein change: p.Ile225Val; replaces isoleucine 225 with valine.
Molecular consequence: missense variant.
Genome position (GRCh38, 1-based): chr16:84,029,511, T>C on the plus strand (A>G on the coding strand, the complement: SLC38A8 is on the minus strand). VCF-style: chr16-84029511-T-C. GRCh37 (hg19) VCF-style: chr16-84063116-T-C.
Other names: c.673A>G (NM_001080442.1); short protein forms I225V.
Identifiers: ClinVar variation 2058381 (VCV002058381.2), dbSNP rs745642623, ClinGen allele CA8200098.